The following is an entry in ClinVar:

ClinVar aggregate classification (germline): Pathogenic. Review status: criteria provided, multiple submitters, no conflicts (2 of 4 stars). 6 submissions from 6 submitters: Pathogenic (5). 1 of the submissions does not count toward it. Last evaluated 2025-10-03.

Conditions:
Inborn genetic diseases. Identifiers: MedGen C0950123, MeSH D030342.
Mitochondrial complex V (ATP synthase) deficiency, nuclear type 2. Also called: ENCEPHALOCARDIOMYOPATHY, MITOCHONDRIAL, NEONATAL, DUE TO ATP SYNTHASE DEFICIENCY; Nuclear-Encoded ATPase Deficiency, TMEM70-Related; MITOCHONDRIAL COMPLEX V (ATP SYNTHASE) DEFICIENCY, TMEM70 TYPE. Identifiers: Orphanet 1194, MedGen C3279699, MONDO:0013546, OMIM 614052.

Allele frequency attached by ClinVar (database versions not stated): gnomAD 0.00001; TOPMed 0.00001.
gnomAD v4.1: 10 of 1,613,574 alleles (0.00062%); highest among the groups gnomAD compares: African/African-American, 0.0053%; no homozygotes.

Submissions (6):

Labcorp Genetics (formerly Invitae), Labcorp
Classification: Pathogenic for Mitochondrial complex V (ATP synthase) deficiency, nuclear type 2. Last evaluated: 2025-10-03. Review status: criteria provided, single submitter. Criteria: Invitae Variant Classification Sherloc (09022015). Collection method: clinical testing. Allele origin: germline.
Comment: This sequence change creates a premature translational stop signal (p.Arg80*) in the TMEM70 gene. It is expected to result in an absent or disrupted protein product. Loss-of-function variants in TMEM70 are known to be pathogenic (PMID: 18953340, 21147908). This variant is present in population databases (rs387907070, gnomAD 0.02%). This premature translational stop signal has been observed in individuals with clinical features of ATP synthase deficiency (PMID: 21147908, 24740313). ClinVar contains an entry for this variant (Variation ID: 30958). Algorithms developed to predict the effect of sequence changes on RNA splicing suggest that this variant may disrupt the consensus splice site. For these reasons, this variant has been classified as Pathogenic.

GeneDx
Classification: Pathogenic. Last evaluated: 2023-09-09. Review status: criteria provided, single submitter. Criteria: GeneDx Variant Classification Process June 2021. Collection method: clinical testing. Allele origin: germline. Affected: yes.
Comment: Nonsense variant predicted to result in protein truncation or nonsense mediated decay in a gene for which loss-of-function is a known mechanism of disease; This variant is associated with the following publications: (PMID: 24740313, 25778942, 35288587, 21147908)

Genetic Services Laboratory, University of Chicago
Classification: Pathogenic. Last evaluated: 2023-08-15. Review status: criteria provided, single submitter. Criteria: ACMG Guidelines, 2015. Collection method: clinical testing. Allele origin: germline. Affected: yes.
Comment: DNA sequence analysis of the TMEM70 gene demonstrated a sequence change, c.238C>T, which results in the creation of a premature stop codon at amino acid position 80, p.Arg80*. This pathogenic sequence change is predicted to result in an abnormal transcript, which may be degraded, or may lead to the production of a truncated TMEM70 protein with potentially abnormal function. This sequence change has been described in the gnomAD database in two individuals corresponding to a population frequency of 0.006% (dbSNP rs387907070). This pathogenic change has previously been described in individuals with TMEM70-related disorders (PMID: 25326274, 21147908, 24740313, 35288587). Based on these collective evidences, this sequence change is classified as pathogenic, however, functional studies have not been performed to prove this conclusively.

Ambry Genetics
Classification: Pathogenic for Inborn genetic diseases. Last evaluated: 2022-02-26. Review status: criteria provided, single submitter. Criteria: Ambry Variant Classification Scheme 2023. Collection method: clinical testing. Allele origin: germline.
Comment: The c.238C>T (p.R80*) alteration, located in exon 2 (coding exon 2) of the TMEM70 gene, consists of a C to T substitution at nucleotide position 238. This changes the amino acid from a arginine (R) to a stop codon at amino acid position 80. This alteration is expected to result in loss of function by premature protein truncation or nonsense-mediated mRNA decay. Based on data from gnomAD, the T allele has an overall frequency of 0.01% (2/31334) total alleles studied. The highest observed frequency was 0.02% (2/8694) of African alleles. This alteration has been reported in the homozygous state in two unrelated patients with clinical and biochemical features consistent with ATP synthase deficiency (Spiegel, 2011; Diodato, 2015). Based on the available evidence, this alteration is classified as pathogenic.

Fulgent Genetics
Classification: Pathogenic for Mitochondrial complex V (ATP synthase) deficiency, nuclear type 2. Last evaluated: 2022-01-07. Review status: criteria provided, single submitter. Criteria: ACMG Guidelines, 2015. Collection method: clinical testing. Allele origin: unknown.

OMIM
Classification: Pathogenic for MITOCHONDRIAL COMPLEX V (ATP SYNTHASE) DEFICIENCY, NUCLEAR TYPE 2. Last evaluated: 2011-03-01. Review status: no assertion criteria provided. Collection method: literature only. Allele origin: germline. Not counted in ClinVar's aggregate classification.

Literature cited by the submitters: PubMed 18953340 (cited by Labcorp Genetics (formerly Invitae), Labcorp); PubMed 21147908 (cited by 3 submitters); PubMed 24740313 (cited by Labcorp Genetics (formerly Invitae), Labcorp and Ambry Genetics).

NM_017866.6(TMEM70):c.238C>T (p.Arg80Ter)

Gene: TMEM70 (transmembrane protein 70; plus strand). Cytogenetic location: 8q21.11.
Variant type: single nucleotide variant.
Coding change: c.238C>T on transcript NM_017866.6 (MANE Select); coding-DNA position 238, C replaced by T.
Protein change: p.Arg80Ter; replaces arginine 80 with a stop codon.
Molecular consequence: nonsense. On other transcripts: non-coding transcript variant (1).
Genome position (GRCh38, 1-based): chr8:73,978,783, C>T. VCF-style: chr8-73978783-C-T. GRCh37 (hg19) VCF-style: chr8-74891018-C-T.
Other names: c.238C>T, p.Arg80Ter (NM_001040613.3); short protein forms R80*.
Identifiers: ClinVar variation 30958 (VCV000030958.18), dbSNP rs387907070, ClinGen allele CA129563.